The following is an entry in ClinVar:

ClinVar aggregate classification (germline): Uncertain significance (1 of 4 stars; one submission).

gnomAD v4.1: 1 of 1,612,500 alleles (0.000062%); highest among the groups gnomAD compares: East Asian, 0.0022%; no homozygotes.

Submission:

GeneDx
Classification: Uncertain significance. Last evaluated: 2026-03-12. Review status: criteria provided, single submitter. Criteria: GeneDx Variant Classification Process June 2021. Collection method: clinical testing. Allele origin: germline.
Comment: Not observed at significant frequency in large population cohorts (gnomAD); In silico analysis suggests that this missense variant does not alter protein structure/function; Has not been previously published as pathogenic or benign to our knowledge

NM_024700.4(SNIP1):c.82G>A (p.Val28Met)

Gene: SNIP1 (Smad nuclear interacting protein 1; minus strand). Cytogenetic location: 1p34.3.
Variant type: single nucleotide variant.
Coding change: c.82G>A on transcript NM_024700.4 (MANE Select); coding-DNA position 82, G replaced by A.
Protein change: p.Val28Met; replaces valine 28 with methionine.
Molecular consequence: missense variant.
Genome position (GRCh38, 1-based): chr1:37,554,148, C>T on the plus strand (G>A on the coding strand, the complement: SNIP1 is on the minus strand). VCF-style: chr1-37554148-C-T. GRCh37 (hg19) VCF-style: chr1-38019749-C-T.
Other names: short protein forms V28M.
Identifiers: ClinVar variation 5009037 (VCV005009037.1).
Genomic context (GRCh38, chr1:37,554,148, plus strand): 5'-GGTCCGGACGGCGGTGGGCGGGAGGTGCGACTTCTGGGCTGAGACGCTCCTGCTTCACCA[C>T]CACCCCCGCCGGCAGCACCACGTCCCCGTCCCGGTGTCTTCGCCGGCTCCCTCGCTCCCG-3'
Protein context (NP_078976.2, residues 18-38): DGDVVLPAGV[Val28Met]VKQERLSPEV